The following is an entry in ClinVar:

ClinVar aggregate classification (germline): Likely pathogenic (1 of 4 stars; one submission).

Conditions:
Autosomal recessive nonsyndromic hearing loss 4 (DFNB4). Also called: FOXI1-Related Pendred Syndrome; KCNJ10-Related Pendred Syndrome; NEUROSENSORY NONSYNDROMIC RECESSIVE DEAFNESS 4; Deafness, autosomal recessive 4, with enlarged vestibular aqueduct; DEAFNESS, AUTOSOMAL RECESSIVE 4, WITH ENLARGED VESTIBULAR AQUEDUCT, DIGENIC; Deafness, autosomal recessive 4. Identifiers: Orphanet 90636, MedGen C3538946, MONDO:0010933, OMIM 600791.

Submission:

3billion
Classification: Likely pathogenic for Autosomal recessive nonsyndromic hearing loss 4. Last evaluated: 2022-05-22. Review status: criteria provided, single submitter. Criteria: ACMG Guidelines, 2015. Collection method: clinical testing. Allele origin: germline. Affected: yes. Observed: 1 homozygote.
Comment: Different pathogenic amino acid change has been reported with sufficient evidence at the same codon (ClinVar ID: VCV000189160, PMID:17718863). In silico prediction tools and conservation analysis predicted that this variant was probably damaging to the protein structure/function (REVEL: 0.815>=0.6, 3CNET: 0.902>=0.75). A missense variant is a common mechanism associated with Deafness, autosomal recessive 4. It is absent from the gnomAD v2.1.1 dataset. Therefore, this variant is classified as likely pathogenic according to the recommendation of ACMG/AMP guideline.

Literature cited by the submitters: PubMed 17718863.

NM_000441.2(SLC26A4):c.1586T>C (p.Ile529Thr)

Gene: SLC26A4 (solute carrier family 26 member 4; plus strand). Cytogenetic location: 7q22.3.
Variant type: single nucleotide variant.
Coding change: c.1586T>C on transcript NM_000441.2 (MANE Select); coding-DNA position 1586, T replaced by C.
Protein change: p.Ile529Thr; replaces isoleucine 529 with threonine.
Molecular consequence: missense variant.
Genome position (GRCh38, 1-based): chr7:107,698,083, T>C. VCF-style: chr7-107698083-T-C. GRCh37 (hg19) VCF-style: chr7-107338528-T-C.
Other names: short protein forms I529T.
Identifiers: ClinVar variation 1687453 (VCV001687453.1), dbSNP rs786204739, ClinGen allele CA368841626.
Genomic context (GRCh38, chr7:107,698,083, plus strand): 5'-TTGATATTTTTTCTTCTAGTCCTTCTTGGAATGGCCTTGGAAGCATCCCTAGCACAGATA[T>C]CTACAAAAGTACCAAGAATTACAAAAACGTAAGTACCTTTGTGAGACATTTGCTGGACTT-3'
Protein context (NP_000432.1, residues 519-539): NGLGSIPSTD[Ile529Thr]YKSTKNYKNI